The following is an entry in ClinVar:

ClinVar aggregate classification (germline): Conflicting classifications of pathogenicity. Review status: criteria provided, conflicting classifications (1 of 4 stars). 10 submissions from 10 submitters: Uncertain significance (6); Likely benign (3). 1 of the submissions does not count toward it. Last evaluated 2025-12-21.

Conditions:
KCNE1-related disorder. Also called: KCNE1-related condition.
Cardiovascular phenotype. Identifiers: MedGen CN230736.
Familial long QT syndrome (RWS). Also called: Congenital long QT syndrome; VENTRICULAR FIBRILLATION WITH PROLONGED QT INTERVAL; Romano-Ward syndrome. Identifiers: Orphanet 768, MedGen C1141890, MONDO:0019171.
Long QT syndrome 5 (LQT5). Identifiers: Orphanet 101016, Orphanet 768, MedGen C1867904, MONDO:0013372, OMIM 613695.
Jervell and Lange-Nielsen syndrome 2 (JLNS2). Identifiers: Orphanet 768, Orphanet 90647, MedGen C2676723, MONDO:0012871, OMIM 612347.
Long QT syndrome (LQTS). Identifiers: MedGen C0023976, MeSH D008133, MONDO:0002442. Disease mechanism: loss of function. Inheritance: Various modes of inheritance.

Allele frequency attached by ClinVar (database versions not stated): gnomAD 0.00003 and 0.00005; gnomAD exomes 0.00006; ExAC 0.00013; 1000 Genomes Project 30x 0.00031; 1000 Genomes Project 0.00040.
gnomAD v4.1: 74 of 1,202,928 alleles (0.0062%); highest among the groups gnomAD compares: South Asian, 0.043%; 4 homozygotes.

Submissions (11):

Labcorp Genetics (formerly Invitae), Labcorp
Classification: Uncertain significance for Long QT syndrome. Last evaluated: 2025-12-21. Review status: criteria provided, single submitter. Criteria: Invitae Variant Classification Sherloc (09022015). Collection method: clinical testing. Allele origin: germline.
Comment: This sequence change replaces glycine, which is neutral and non-polar, with serine, which is neutral and polar, at codon 55 of the KCNE1 protein (p.Gly55Ser). This variant is present in population databases (rs199473644, gnomAD 0.05%). This missense change has been observed in individual(s) with clinical features of LQTS (PMID: 19716085, 31941373). ClinVar contains an entry for this variant (Variation ID: 132657). Invitae Evidence Modeling of protein sequence and biophysical properties (such as structural, functional, and spatial information, amino acid conservation, physicochemical variation, residue mobility, and thermodynamic stability) indicates that this missense variant is not expected to disrupt KCNE1 protein function with a negative predictive value of 95%. Experimental studies have shown that this missense change affects KCNE1 function (PMID: 17545244). In summary, the available evidence is currently insufficient to determine the role of this variant in disease. Therefore, it has been classified as a Variant of Uncertain Significance.

PreventionGenetics, part of Exact Sciences
Classification: Uncertain significance for KCNE1-related condition. Last evaluated: 2025-08-28. Review status: criteria provided, single submitter. Criteria: ACMG Guidelines, 2015. Collection method: clinical testing. Allele origin: germline.
Comment: The KCNE1 c.163G>A variant is predicted to result in the amino acid substitution p.Gly55Ser. This variant has been reported in individuals with Long QT syndrome (Kapplinger et al. 2009. PubMed ID: 19716085; Roberts et al. 2020. PubMed ID: 3194137). One experimental study indicates that this variant does not impact expression and protein function (Supplemental File 6, Muhammad et al. 2024. PubMed ID: 38816749). In ClinVar, this variant is assessed from uncertain to likely benign. This variant is reported in 0.052% of alleles in individuals of South Asian descent in gnomAD. At this time, the clinical significance of this variant is uncertain due to the absence of conclusive functional and genetic evidence.

GeneDx
Classification: Uncertain significance. Last evaluated: 2025-06-30. Review status: criteria provided, single submitter. Criteria: GeneDx Variant Classification Process June 2021. Collection method: clinical testing. Allele origin: germline. Affected: yes.
Comment: Reported in one individual referred for LQTS genetic testing (PMID: 19716085); In silico analysis suggests that this missense variant does not alter protein structure/function; This variant is associated with the following publications: (PMID: 31941373, 28988457, 24710009, 40236191, 38816749, 19716085)

Laboratory of Genetics, Children's Clinical University Hospital Latvia
Classification: Likely benign. Last evaluated: 2025-02-16. Review status: criteria provided, single submitter. Criteria: ACMG Guidelines, 2015. Collection method: clinical testing. Allele origin: germline. Affected: yes.

Blueprint Genetics
Classification: Likely benign. Last evaluated: 2024-10-10. Review status: criteria provided, single submitter. Criteria: ACMG Guidelines, 2015. Collection method: clinical testing. Allele origin: germline.

Ambry Genetics
Classification: Likely benign for Cardiovascular phenotype. Last evaluated: 2022-09-14. Review status: criteria provided, single submitter. Criteria: Ambry Variant Classification Scheme 2023. Collection method: clinical testing. Allele origin: germline.

Fulgent Genetics
Classification: Uncertain significance for Jervell and Lange-Nielsen syndrome 2; Long QT syndrome 5. Last evaluated: 2021-09-08. Review status: criteria provided, single submitter. Criteria: ACMG Guidelines, 2015. Collection method: clinical testing. Allele origin: unknown.

Stanford Center for Inherited Cardiovascular Disease, Stanford University
Classification: Uncertain significance. Last evaluated: 2018-01-12. Review status: criteria provided, single submitter. Criteria: ACMG Guidelines, 2015. Collection method: provider interpretation. Allele origin: germline.

Laboratory for Molecular Medicine, Mass General Brigham Personalized Medicine
Classification: Uncertain significance. Last evaluated: 2014-02-10. Review status: criteria provided, single submitter. Criteria: LMM Criteria. Collection method: clinical testing. Allele origin: germline. Observed: 1 variant allele.
Comment: Variant classified as Uncertain Significance - Favor Benign. The Gly55Ser varian t in KCNE1 has not been previously reported in any individuals with hearing loss and was absent from large population studies. However, this variant has been re ported in one individual with long QT syndrome (Kapplinger 2009). The glycine (G ly) residue at position 55 is not conserved across several species including two mammals (hamster and mole) having serine (Ser) at this position, suggesting tha t the variant may be tolerated. However, this information is not sufficient to r ule out pathogenicity. In summary, the clinical significance of this variant can not be determined with certainty; however based upon the conservation data, we w ould lean towards a more likely benign role.

Cardiovascular Biomedical Research Unit, Royal Brompton & Harefield NHS Foundation Trust
No classification provided. Condition: Familial long QT syndrome. Review status: no classification provided. Collection method: literature only. Allele origin: germline. Not counted in ClinVar's aggregate classification.
Comment: This variant has been reported as associated with Long QT syndrome in the following publications (PMID:19716085). This is a literature report, and does not necessarily reflect the clinical interpretation of the Imperial College / Royal Brompton Cardiovascular Genetics laboratory.

Roden Lab, Vanderbilt University Medical Center
No classification provided (evidence only). Condition: Long QT syndrome 5. Review status: no classification provided. Collection method: in vitro. Allele origin: not applicable. Functional consequence: Effect on ion channel function. Not counted in ClinVar's aggregate classification.
ClinVar note: "not provided" was previously submitted as the classification for the variant. However, the classification appeared to be based only on an observation of functional data so it was converted to no classification on 2025-07-30.

Literature cited by the submitters: PubMed 19716085 (cited by 4 submitters); PubMed 31941373 (cited by Labcorp Genetics (formerly Invitae), Labcorp); PubMed 17545244 (cited by Labcorp Genetics (formerly Invitae), Labcorp); PubMed 24710009 (cited by Ambry Genetics); PubMed 22581653 (cited by Cardiovascular Biomedical Research Unit, Royal Brompton & Harefield NHS Foundation Trust).

NM_000219.6(KCNE1):c.163G>A (p.Gly55Ser)

Gene: KCNE1 (potassium voltage-gated channel subfamily E regulatory subunit 1; minus strand). Cytogenetic location: 21q22.12.
Variant type: single nucleotide variant.
Coding change: c.163G>A on transcript NM_000219.6 (MANE Select); coding-DNA position 163, G replaced by A.
Protein change: p.Gly55Ser; replaces glycine 55 with serine.
Molecular consequence: missense variant.
Genome position (GRCh38, 1-based): chr21:34,449,472, C>T on the plus strand (G>A on the coding strand, the complement: KCNE1 is on the minus strand). VCF-style: chr21-34449472-C-T. GRCh37 (hg19) VCF-style: chr21-35821770-C-T.
Other names: c.163G>A, p.Gly55Ser (NM_001127668.4, NM_001127669.4, NM_001127670.4 and 4 more transcripts); c.163G>A (LRG_290t1); short protein forms G55S.
Identifiers: ClinVar variation 132657 (VCV000132657.25), dbSNP rs199473644, ClinGen allele CA176429.